The following is an entry in ClinVar:

NM_000094.4(COL7A1):c.3109G>A (p.Gly1037Ser)

Gene: COL7A1 (collagen type VII alpha 1 chain; minus strand). Cytogenetic location: 3p21.31.
Variant type: single nucleotide variant.
Coding change: c.3109G>A on transcript NM_000094.4 (MANE Select); coding-DNA position 3109, G replaced by A.
Protein change: p.Gly1037Ser; replaces glycine 1037 with serine.
Molecular consequence: missense variant.
Genome position (GRCh38, 1-based): chr3:48,587,220, C>T on the plus strand (G>A on the coding strand, the complement: COL7A1 is on the minus strand). VCF-style: chr3-48587220-C-T. GRCh37 (hg19) VCF-style: chr3-48624653-C-T.
Other names: short protein forms G1037S.
Identifiers: ClinVar variation 4704107 (VCV004704107.1).
Genomic context (GRCh38, chr3:48,587,220, plus strand): 5'-TTTCTGCCCTTCCCACTACGCCCACTATACCTGGCGTCTGTGTGACAGATGCCTCAGGAC[C>T]CCGCACACCATCCAGGACAGGCGTCAGGGAGAAGATGTAAGAGACGCCAGGCTCTAGCCC-3'
Protein context (NP_000085.1, residues 1027-1047): SLTPVLDGVR[Gly1037Ser]PEASVTQTPV

ClinVar aggregate classification (germline): Uncertain significance (1 of 4 stars; one submission).

gnomAD v4.1: 1 of 1,613,668 alleles (0.000062%); highest among the groups gnomAD compares: Non-Finnish European, 0.000085%; no homozygotes.

Submission:

Labcorp Genetics (formerly Invitae), Labcorp
Classification: Uncertain significance. Last evaluated: 2025-11-22. Review status: criteria provided, single submitter. Criteria: Invitae Variant Classification Sherloc (09022015). Collection method: clinical testing. Allele origin: germline.
Comment: This sequence change replaces glycine, which is neutral and non-polar, with serine, which is neutral and polar, at codon 1037 of the COL7A1 protein (p.Gly1037Ser). This variant is not present in population databases (gnomAD no frequency). This variant has not been reported in the literature in individuals affected with COL7A1-related conditions. Invitae Evidence Modeling of protein sequence and biophysical properties (such as structural, functional, and spatial information, amino acid conservation, physicochemical variation, residue mobility, and thermodynamic stability) indicates that this missense variant is not expected to disrupt COL7A1 protein function with a negative predictive value of 95%. In summary, the available evidence is currently insufficient to determine the role of this variant in disease. Therefore, it has been classified as a Variant of Uncertain Significance.